The following is an entry in ClinVar:

ClinVar aggregate classification (germline): Uncertain significance (1 of 4 stars; one submission).

Conditions:
POLD1-related polyposis and colorectal cancer syndrome (CRCS10). Also called: Colorectal cancer 10; COLORECTAL CANCER, SUSCEPTIBILITY TO, ON CHROMOSOME 19q; Colorectal cancer, susceptibility to, 10. Identifiers: Orphanet 220460, MedGen C2675481, MONDO:0012953, OMIM 612591.

Submission:

Labcorp Genetics (formerly Invitae), Labcorp
Classification: Uncertain significance for POLD1-related polyposis and colorectal cancer syndrome. Last evaluated: 2021-08-12. Review status: criteria provided, single submitter. Criteria: Invitae Variant Classification Sherloc (09022015). Collection method: clinical testing. Allele origin: germline.
Comment: This variant is a gross deletion of the genomic region encompassing exon(s) 4-17 of the POLD1 gene. This deletion is out-of-frame, and is expected to create a premature translational stop signal and result in an absent or disrupted protein product. Missense variants that disrupt the 3'-5' exonuclease (proof-reading) activity of the POLD1 protein, are associated with an increased risk for colonic adenomatous polyps and colon cancer (PMID: 23263490, 23447401). However loss-of-function variants, which result in an absent or severely disrupted POLD1 protein, and missense variants outside the exonuclease domain, are unlikely to be associated with polyposis or colon cancer. This variant has not been reported in the literature in individuals affected with POLD1-related conditions. In summary, the available evidence is currently insufficient to determine the role of this variant in disease. Therefore, it has been classified as a Variant of Uncertain Significance.

Literature cited by the submitters: PubMed 23263490; PubMed 23447401.

NC_000019.9:g.(?_50905025)_(50912933_?)del

Gene: POLD1 (DNA polymerase delta 1, catalytic subunit; plus strand). Cytogenetic location: 19q13.33.
Variant type: Deletion.
Identifiers: ClinVar variation 1056124 (VCV001056124.6).